The following is an entry in ClinVar:

NM_003919.3(SGCE):c.391-43A>C

Genes: CASD1 (CAS1 domain sialic acid O acetyltransferase 1; plus strand), SGCE (sarcoglycan epsilon; minus strand). Cytogenetic location: 7q21.3.
Variant type: single nucleotide variant.
Coding change: c.391-43A>C on transcript NM_003919.3 (MANE Select); 43 bases into the intron before coding-DNA position 391, A replaced by C.
Molecular consequence: intron variant.
Genome position (GRCh38, 1-based): chr7:94,623,440, T>G on the plus strand (A>C on the coding strand, the complement: SGCE is on the minus strand). VCF-style: chr7-94623440-T-G. GRCh37 (hg19) VCF-style: chr7-94252752-T-G.
Other names: NC_000007.13:g.94252752T>G; c.268-43A>C (NM_001362809.2, NM_001301139.2); c.391-43A>C (NM_001346717.2, NM_001099400.2, NM_001099401.2); c.499-43A>C (NM_001346715.2, NM_001346713.2); c.304-43A>C (NM_001362807.2, NM_001346719.2); c.118-43A>C (NM_001362808.2, NM_001346720.2).
Identifiers: ClinVar variation 259198 (VCV000259198.10), dbSNP rs2272091, ClinGen allele CA4348822.
Genomic context (GRCh38, chr7:94,623,440, plus strand): 5'-CCTGTTGTAGGCAGTTATCTATTATAAAAGGAAAACCATATTAAAGAAGTGAAATGTTCT[T>G]TGTAAAATGAAATTCATTAAGGATTAAAATGAAAACAAATTGTCATTCTTTCCATTTTCA-3'

ClinVar aggregate classification (germline): Benign. Review status: criteria provided, multiple submitters, no conflicts (2 of 4 stars). 6 submissions from 6 submitters: Benign (6). Last evaluated 2024-07-31.

Conditions:
Myoclonic dystonia 11 (DYT11). Also called: Myoclonic dystonia; Dystonia 11; DYT-SGCE; Dystonia, alcohol responsive; Hereditary essential myoclonus; SGCE Myoclonus-Dystonia. Identifiers: Orphanet 36899, MedGen C1834570, MONDO:0008044, OMIM 159900.

Allele frequency attached by ClinVar (database versions not stated): ESP Exome Variant Server 0.09500; TOPMed 0.10795; gnomAD 0.10996 and 0.11665; 1000 Genomes Project 30x 0.13882; 1000 Genomes Project 0.14477; ExAC 0.16692.
gnomAD v4.1: 167,598 of 1,238,746 alleles (14%); highest among the groups gnomAD compares: South Asian, 24%; 13,169 homozygotes.

Submissions (8):

Unidad de Genómica Garrahan, Hospital de Pediatría Garrahan
Classification: Benign. Last evaluated: 2024-07-31. Review status: criteria provided, single submitter. Criteria: ACMG Guidelines, 2015. Collection method: clinical testing. Allele origin: germline. Affected: no. Observed: 24 variant alleles.
Comment: This variant is classified as Benign based on local population frequency. This variant was detected in 26% of patients studied in a panel designed for Epileptic and Developmental Encephalopathy, Progressive Myoclonus Epilepsy and Abnormal Movements and Neurodegeneration with brain iron accumulation. Number of patients: 24. Only high quality variants are reported.

Genome-Nilou Lab
Classification: Benign for Myoclonic dystonia 11. Last evaluated: 2021-07-15. Review status: criteria provided, single submitter. Criteria: ACMG Guidelines, 2015. Collection method: clinical testing. Allele origin: germline. Affected: no.

GeneDx
Classification: Benign. Last evaluated: 2018-07-09. Review status: criteria provided, single submitter. Criteria: GeneDx Variant Classification Process June 2021. Collection method: clinical testing. Allele origin: germline. Affected: yes.

Athena Diagnostics
Classification: Benign for Myoclonic dystonia 11. Last evaluated: 2017-04-13. Review status: criteria provided, single submitter. Criteria: Athena Diagnostics Criteria. Collection method: clinical testing. Allele origin: germline.

Breakthrough Genomics
Classification: Benign. Review status: criteria provided, single submitter. Criteria: ACMG Guidelines, 2015. Collection method: not provided. Allele origin: germline. Inheritance: Autosomal dominant inheritance. Affected: yes.

PreventionGenetics, part of Exact Sciences
Classification: Benign. Review status: criteria provided, single submitter. Criteria: ACMG Guidelines, 2015. Collection method: clinical testing. Allele origin: germline.

Dr. Peter K. Rogan Lab, Western University
No classification provided (evidence only). Condition: Hepatocellular carcinoma. Review status: no classification provided. Collection method: in vitro. Allele origin: not applicable. Functional consequence: retained intron. Not counted in ClinVar's aggregate classification.

Dr. Peter K. Rogan Lab, Western University
No classification provided (evidence only). Condition: Uterine carcinosarcoma. Review status: no classification provided. Collection method: in vitro. Allele origin: not applicable. Functional consequence: retained intron. Not counted in ClinVar's aggregate classification.